The following is an entry in ClinVar:

NM_003265.3(TLR3):c.2164C>G (p.Leu722Val)

Gene: TLR3 (toll like receptor 3; plus strand). Cytogenetic location: 4q35.1.
Variant type: single nucleotide variant.
Coding change: c.2164C>G on transcript NM_003265.3 (MANE Select); coding-DNA position 2164, C replaced by G.
Protein change: p.Leu722Val; replaces leucine 722 with valine.
Molecular consequence: missense variant.
Genome position (GRCh38, 1-based): chr4:186,083,850, C>G. VCF-style: chr4-186083850-C-G. GRCh37 (hg19) VCF-style: chr4-187005004-C-G.
Other names: short protein forms L722V.
Identifiers: ClinVar variation 938177 (VCV000938177.11), dbSNP rs1028373125, ClinGen allele CA112098921.

ClinVar aggregate classification (germline): Uncertain significance. Review status: criteria provided, multiple submitters, no conflicts (2 of 4 stars). 2 submissions from 2 submitters: Uncertain significance (2). Last evaluated 2025-07-02.

Conditions:
Encephalopathy, acute, infection-induced (herpes-specific), susceptibility to, 1. Also called: Herpes simplex encephalitis, susceptibility to, 1. Identifiers: Orphanet 1930, MedGen C2750180, MONDO:0024563, OMIM 610551.

Allele frequency attached by ClinVar (database versions not stated): gnomAD exomes 0.00003 and below 0.00001; gnomAD 0.00001.
gnomAD v4.1: 45 of 1,613,974 alleles (0.0028%); highest among the groups gnomAD compares: Non-Finnish European, 0.0037%; no homozygotes.

Submissions (2):

Labcorp Genetics (formerly Invitae), Labcorp
Classification: Uncertain significance for Encephalopathy, acute, infection-induced (herpes-specific), susceptibility to, 1. Last evaluated: 2025-07-02. Review status: criteria provided, single submitter. Criteria: Invitae Variant Classification Sherloc (09022015). Collection method: clinical testing. Allele origin: germline.
Comment: This sequence change replaces leucine, which is neutral and non-polar, with valine, which is neutral and non-polar, at codon 722 of the TLR3 protein (p.Leu722Val). This variant is present in population databases (no rsID available, gnomAD 0.0009%). This variant has not been reported in the literature in individuals affected with TLR3-related conditions. ClinVar contains an entry for this variant (Variation ID: 938177). An algorithm developed to predict the effect of missense changes on protein structure and function (PolyPhen-2) suggests that this variant is likely to be tolerated. In summary, the available evidence is currently insufficient to determine the role of this variant in disease. Therefore, it has been classified as a Variant of Uncertain Significance.

Ambry Genetics
Classification: Uncertain significance. Last evaluated: 2025-03-07. Review status: criteria provided, single submitter. Criteria: Ambry Variant Classification Scheme 2023. Collection method: clinical testing. Allele origin: germline.